The following is an entry in ClinVar:

ClinVar aggregate classification (germline): Uncertain significance (1 of 4 stars; one submission).

Submission:

GeneDx
Classification: Uncertain significance. Last evaluated: 2024-04-16. Review status: criteria provided, single submitter. Criteria: GeneDx Variant Classification Process June 2021. Collection method: clinical testing. Allele origin: germline. Affected: yes.
Comment: Not observed at significant frequency in large population cohorts (gnomAD); In silico analysis indicates that this missense variant does not alter protein structure/function; Has not been previously published as pathogenic or benign to our knowledge

NM_002397.5(MEF2C):c.592G>T (p.Gly198Cys)

Gene: MEF2C (myocyte enhancer factor 2C; minus strand). Cytogenetic location: 5q14.3.
Variant type: single nucleotide variant.
Coding change: c.592G>T on transcript NM_002397.5 (MANE Select); coding-DNA position 592, G replaced by T.
Protein change: p.Gly198Cys; replaces glycine 198 with cysteine.
Molecular consequence: missense variant.
Genome position (GRCh38, 1-based): chr5:88,749,115, C>A on the plus strand (G>T on the coding strand, the complement: MEF2C is on the minus strand). VCF-style: chr5-88749115-C-A. GRCh37 (hg19) VCF-style: chr5-88044932-C-A.
Other names: c.586G>T, p.Gly196Cys (NM_001131005.2, NM_001364343.2, NM_001364352.2); c.646G>T, p.Gly216Cys (NM_001193347.1, NM_001364338.2); c.448G>T, p.Gly150Cys (NM_001193348.1, NM_001193349.3, NM_001364332.2 and 3 more transcripts); c.592G>T, p.Gly198Cys (NM_001193350.2, NM_001308002.3, NM_001363581.2 and 18 more transcripts); c.214G>T, p.Gly72Cys (NM_001364353.2, NM_001364356.2); c.166G>T, p.Gly56Cys (NM_001364357.2); short protein forms G150C, G196C, G198C, G216C, G56C, G72C.
Identifiers: ClinVar variation 3372656 (VCV003372656.1).